The following is an entry in ClinVar:

NM_000018.4(ACADVL):c.688dup (p.Thr230fs)

Gene: ACADVL (acyl-CoA dehydrogenase very long chain; plus strand). Cytogenetic location: 17p13.1.
Variant type: Duplication.
Coding change: c.688dup on transcript NM_000018.4 (MANE Select); coding-DNA position 688, one base duplicated (A; older notation c.688dupA).
Protein change: p.Thr230fs; shifts the reading frame from threonine 230.
Molecular consequence: frameshift variant.
Genome position (GRCh38, 1-based): chr17:7,222,017, A duplicated; the last of 2 consecutive A bases (chr17:7,222,016-7,222,017); duplicating either gives the same sequence. VCF-style (leftmost placement, unchanged base first): chr17-7222015-G-GA. GRCh37 (hg19) VCF-style: chr17-7125334-G-GA.
Other names: NM_000018.4(ACADVL):c.688dup; p.Thr230fs; c.688dup (NM_000018.2); c.622dup, p.Thr208fs (NM_001033859.3); c.757dup, p.Thr253fs (NM_001270447.2); c.460dup, p.Thr154fs (NM_001270448.2); short protein forms T230fs, T208fs, T154fs, T253fs.
Identifiers: ClinVar variation 844921 (VCV000844921.11), dbSNP rs2071255080, ClinGen allele CA916083527.

ClinVar aggregate classification (germline): Likely pathogenic. Review status: reviewed by expert panel (3 of 4 stars). 5 submissions from 5 submitters: Likely pathogenic (1). 4 of the submissions do not count toward it. Last evaluated 2023-11-28.

Conditions:
Very long chain acyl-CoA dehydrogenase deficiency (ACADVLD). Also called: VLCAD Deficiency; Very Long-Chain Acyl-Coenzyme A Dehydrogenase Deficiency. Identifiers: Orphanet 26793, MedGen C3887523, MONDO:0008723, OMIM 201475.

Submissions (5):

ClinGen ACADVL Variant Curation Expert Panel, ClinGen
Classification: Likely pathogenic for Very long chain acyl-CoA dehydrogenase deficiency. Last evaluated: 2023-11-28. Review status: reviewed by expert panel. Criteria: clingen acadvl acmg specifications v1. Collection method: curation. Allele origin: germline.
Comment: The c.688dup (p.Thr230AsnfsTer23) variant in ACADVL is a frameshift variant predicted to cause a premature stop codon in biologically-relevant-exon 8 leading to nonsense mediated decay in a gene in which loss-of-function is an established disease mechanism (PVS1; PMIDs 9973285, 11590124). This variant is absent from gnomAD v2.1.1 (PM2_Supporting). The ACADVL Variant Curation Expert Panel VCEP classified the variant as likely pathogenic based on PVS1+PM2_supporting (ACADVL VCEP specifications version 1; approved November 9, 2021).

Labcorp Genetics (formerly Invitae), Labcorp
Classification: Pathogenic for Very long chain acyl-CoA dehydrogenase deficiency. Last evaluated: 2025-09-25. Review status: criteria provided, single submitter. Criteria: Invitae Variant Classification Sherloc (09022015). Collection method: clinical testing. Allele origin: germline. Not counted in ClinVar's aggregate classification.
Comment: This sequence change creates a premature translational stop signal (p.Thr230Asnfs*23) in the ACADVL gene. It is expected to result in an absent or disrupted protein product. Loss-of-function variants in ACADVL are known to be pathogenic (PMID: 9973285, 11590124). This variant is not present in population databases (gnomAD no frequency). This variant has not been reported in the literature in individuals affected with ACADVL-related conditions. ClinVar contains an entry for this variant (Variation ID: 844921). For these reasons, this variant has been classified as Pathogenic.

GeneDx
Classification: Likely pathogenic. Last evaluated: 2025-01-07. Review status: criteria provided, single submitter. Criteria: GeneDx Variant Classification Process June 2021. Collection method: clinical testing. Allele origin: germline. Affected: yes. Not counted in ClinVar's aggregate classification.
Comment: Frameshift variant predicted to result in protein truncation or nonsense mediated decay in a gene for which loss of function is a known mechanism of disease; Not observed at significant frequency in large population cohorts (gnomAD); Has not been previously published as pathogenic or benign to our knowledge

ARUP Laboratories, Molecular Genetics and Genomics, ARUP Laboratories
Classification: Likely pathogenic for Very long chain acyl-CoA dehydrogenase deficiency. Last evaluated: 2024-05-24. Review status: criteria provided, single submitter. Criteria: ARUP Molecular Germline Variant Investigation Process 2024. Collection method: clinical testing. Allele origin: germline. Not counted in ClinVar's aggregate classification.
Comment: The ACADVL c.688dup; p.Thr230AsnfsTer23 variant (rs2071255080), to our knowledge, is not reported in the medical literature but is reported in ClinVar (Variation ID: 844921). This variant is absent from the Genome Aggregation Database (v2.1.1), indicating it is not a common polymorphism. This variant causes a frameshift by inserting a single nucleotide, so it is predicted to result in a truncated protein or mRNA subject to nonsense-mediated decay. Based on available information, this variant is considered to be likely pathogenic.

Baylor Genetics
Classification: Likely pathogenic for Very long chain acyl-CoA dehydrogenase deficiency. Last evaluated: 2023-07-15. Review status: criteria provided, single submitter. Criteria: ACMG Guidelines, 2015. Collection method: clinical testing. Allele origin: unknown. Not counted in ClinVar's aggregate classification.

Literature cited by the submitters: PubMed 9973285 (cited by Labcorp Genetics (formerly Invitae), Labcorp); PubMed 11590124 (cited by Labcorp Genetics (formerly Invitae), Labcorp).